The following is an entry in ClinVar:

NM_001039141.3(TRIOBP):c.2992G>A (p.Ala998Thr)

Gene: TRIOBP (TRIO and F-actin binding protein; plus strand). Cytogenetic location: 22q13.1.
Variant type: single nucleotide variant.
Coding change: c.2992G>A on transcript NM_001039141.3 (MANE Select); coding-DNA position 2992, G replaced by A.
Protein change: p.Ala998Thr; replaces alanine 998 with threonine.
Molecular consequence: missense variant.
Genome position (GRCh38, 1-based): chr22:37,725,548, G>A. VCF-style: chr22-37725548-G-A. GRCh37 (hg19) VCF-style: chr22-38121555-G-A.
Other names: short protein forms A998T.
Identifiers: ClinVar variation 1267744 (VCV001267744.32), dbSNP rs200019928, ClinGen allele CA10223996.

ClinVar aggregate classification (germline): Benign/Likely benign. Review status: criteria provided, multiple submitters, no conflicts (2 of 4 stars). 6 submissions from 6 submitters: Benign (4); Likely benign (1). 1 of the submissions does not count toward it. Last evaluated 2025-12-01.

Conditions:
Autosomal recessive nonsyndromic hearing loss 28. Identifiers: Orphanet 90636, MedGen C1853276, MONDO:0012355, OMIM 609823.
TRIOBP-related disorder. Also called: TRIOBP-related condition.

Allele frequency attached by ClinVar (database versions not stated): 1000 Genomes Project 30x 0.00047; gnomAD exomes 0.00049 and 0.00088; 1000 Genomes Project 0.00060; ESP Exome Variant Server 0.00064; gnomAD 0.00064 and 0.00068; ExAC 0.00070; TOPMed 0.00072.
gnomAD v4.1: 852 of 1,613,296 alleles (0.053%); highest among the groups gnomAD compares: Middle Eastern, 0.51%; 8 homozygotes.

Submissions (6):

CeGaT Center for Human Genetics Tuebingen
Classification: Likely benign. Last evaluated: 2025-12-01. Review status: criteria provided, single submitter. Criteria: CeGaT Center For Human Genetics Tuebingen Variant Classification Criteria Version 2. Collection method: clinical testing. Allele origin: germline. Affected: yes. Observed: 5 variant alleles.
Comment: TRIOBP: BP4, BS2

Labcorp Genetics (formerly Invitae), Labcorp
Classification: Benign. Last evaluated: 2025-11-03. Review status: criteria provided, single submitter. Criteria: Invitae Variant Classification Sherloc (09022015). Collection method: clinical testing. Allele origin: germline.

Department of Pathology and Laboratory Medicine, Sinai Health System
Classification: Benign for Autosomal recessive nonsyndromic hearing loss 28. Last evaluated: 2020-07-15. Review status: criteria provided, single submitter. Criteria: ACMG Guidelines, 2015. Collection method: research. Allele origin: germline.

GeneDx
Classification: Benign. Last evaluated: 2018-11-29. Review status: criteria provided, single submitter. Criteria: GeneDx Variant Classification Process June 2021. Collection method: clinical testing. Allele origin: germline. Affected: yes.
Comment: This variant is associated with the following publications: (PMID: 26969326)

Breakthrough Genomics
Classification: Benign. Review status: criteria provided, single submitter. Criteria: ACMG Guidelines, 2015. Collection method: not provided. Allele origin: germline. Inheritance: Autosomal recessive inheritance. Affected: yes.

PreventionGenetics, part of Exact Sciences
Classification: Likely benign for TRIOBP-related condition. Last evaluated: 2024-09-11. Review status: no assertion criteria provided. Collection method: clinical testing. Allele origin: germline. Not counted in ClinVar's aggregate classification.
Comment: This variant is classified as likely benign based on ACMG/AMP sequence variant interpretation guidelines (Richards et al. 2015 PMID: 25741868, with internal and published modifications).